The following is an entry in ClinVar:

ClinVar aggregate classification (germline): Uncertain significance (1 of 4 stars; one submission).

Conditions:
Cardiovascular phenotype. Identifiers: MedGen CN230736.

Submission:

Ambry Genetics
Classification: Uncertain significance for Cardiovascular phenotype. Last evaluated: 2024-11-20. Review status: criteria provided, single submitter. Criteria: Ambry Variant Classification Scheme 2023. Collection method: clinical testing. Allele origin: germline.
Comment: The c.1352+3G>A intronic variant results from a G to A substitution 3 nucleotides after coding exon 10 in the APOB gene. This nucleotide position is not well conserved in available vertebrate species. In silico splice site analysis predicts that this alteration will not have any significant effect on splicing. Based on the available evidence, the clinical significance of this variant remains unclear.

NM_000384.3(APOB):c.1352+3G>A

Gene: APOB (apolipoprotein B; minus strand). Cytogenetic location: 2p24.1.
Variant type: single nucleotide variant.
Coding change: c.1352+3G>A on transcript NM_000384.3 (MANE Select); 3 bases into the intron after coding-DNA position 1352, G replaced by A.
Molecular consequence: intron variant.
Genome position (GRCh38, 1-based): chr2:21,032,351, C>T on the plus strand (G>A on the coding strand, the complement: APOB is on the minus strand). VCF-style: chr2-21032351-C-T. GRCh37 (hg19) VCF-style: chr2-21255223-C-T.
Identifiers: ClinVar variation 3416343 (VCV003416343.1).